The following is an entry in ClinVar:

NM_001353345.2(SETD1B):c.5243G>A (p.Arg1748His)

Gene: SETD1B (SET domain containing 1B, histone lysine methyltransferase; plus strand). Cytogenetic location: 12q24.31.
Variant type: single nucleotide variant.
Coding change: c.5243G>A on transcript NM_001353345.2 (MANE Select); coding-DNA position 5243, G replaced by A.
Protein change: p.Arg1748His; replaces arginine 1748 with histidine.
Molecular consequence: missense variant.
Genome position (GRCh38, 1-based): chr12:121,825,272, G>A. VCF-style: chr12-121825272-G-A. GRCh37 (hg19) VCF-style: chr12-122263178-G-A.
Other names: short protein forms R1748H.
Identifiers: ClinVar variation 4527002 (VCV004527002.1).

ClinVar aggregate classification (germline): Pathogenic (1 of 4 stars; one submission).

Submission:

GeneDx
Classification: Pathogenic. Last evaluated: 2025-05-09. Review status: criteria provided, single submitter. Criteria: GeneDx Variant Classification Process June 2021. Collection method: clinical testing. Allele origin: germline. Affected: yes.
Comment: Not observed at significant frequency in large population cohorts (gnomAD); In silico analysis supports that this missense variant has a deleterious effect on protein structure/function; Has not been previously published as pathogenic or benign to our knowledge